The following is an entry in ClinVar:

NM_016373.4(WWOX):c.715C>G (p.Leu239Val)

Gene: WWOX (WW domain containing oxidoreductase; plus strand). Cytogenetic location: 16q23.1.
Variant type: single nucleotide variant.
Coding change: c.715C>G on transcript NM_016373.4 (MANE Select); coding-DNA position 715, C replaced by G.
Protein change: p.Leu239Val; replaces leucine 239 with valine.
Molecular consequence: missense variant.
Genome position (GRCh38, 1-based): chr16:78,424,979, C>G. VCF-style: chr16-78424979-C-G. GRCh37 (hg19) VCF-style: chr16-78458876-C-G.
Other names: c.376C>G, p.Leu126Val (NM_001291997.2); short protein forms L239V, L126V.
Identifiers: ClinVar variation 473030 (VCV000473030.8), dbSNP rs575080327, ClinGen allele CA8183427.

ClinVar aggregate classification (germline): Uncertain significance (1 of 4 stars; one submission).

Conditions:
Developmental and epileptic encephalopathy, 1 (DEE1). Also called: INFANTILE SPASM SYNDROME, X-LINKED 1; X-linked infantile spasms; West's syndrome; Tonic spasms with clustering, arrest of psychomotor development and hypsarrhythmia on EEG; X-Linked Infantile Spasm Syndrome; OHTAHARA SYNDROME, X-LINKED. Identifiers: MedGen C3463992, MONDO:0010632, OMIM 308350. Disease mechanism: loss of function.
Autosomal recessive spinocerebellar ataxia 12. Also called: SPINOCEREBELLAR ATAXIA WITH MENTAL RETARDATION AND EPILEPSY. Identifiers: Orphanet 284282, MedGen C3280452, MONDO:0013687, OMIM 614322.

Allele frequency attached by ClinVar (database versions not stated): gnomAD 0.00001; gnomAD exomes 0.00001; TOPMed 0.00001.
gnomAD v4.1: 10 of 1,614,062 alleles (0.00062%); highest among the groups gnomAD compares: Non-Finnish European, 0.00076%; no homozygotes.

Submission:

Labcorp Genetics (formerly Invitae), Labcorp
Classification: Uncertain significance for Developmental and epileptic encephalopathy, 1; Autosomal recessive spinocerebellar ataxia 12. Last evaluated: 2022-05-17. Review status: criteria provided, single submitter. Criteria: Invitae Variant Classification Sherloc (09022015). Collection method: clinical testing. Allele origin: germline.
Comment: This sequence change replaces leucine, which is neutral and non-polar, with valine, which is neutral and non-polar, at codon 239 of the WWOX protein (p.Leu239Val). This variant is present in population databases (rs575080327, gnomAD 0.0009%). This variant has not been reported in the literature in individuals affected with WWOX-related conditions. ClinVar contains an entry for this variant (Variation ID: 473030). Algorithms developed to predict the effect of missense changes on protein structure and function are either unavailable or do not agree on the potential impact of this missense change (SIFT: "Not Available"; PolyPhen-2: "Probably Damaging"; Align-GVGD: "Not Available"). In summary, the available evidence is currently insufficient to determine the role of this variant in disease. Therefore, it has been classified as a Variant of Uncertain Significance.